The following is an entry in ClinVar:

NM_001385.3(DPYS):c.15G>A (p.Ser5=)

Gene: DPYS (dihydropyrimidinase; minus strand). Cytogenetic location: 8q22.3.
Variant type: single nucleotide variant.
Coding change: c.15G>A on transcript NM_001385.3 (MANE Select); coding-DNA position 15, G replaced by A.
Protein change: p.Ser5=; no amino-acid change (serine 5 retained).
Molecular consequence: synonymous variant.
Genome position (GRCh38, 1-based): chr8:104,466,906, C>T on the plus strand (G>A on the coding strand, the complement: DPYS is on the minus strand). VCF-style: chr8-104466906-C-T. GRCh37 (hg19) VCF-style: chr8-105479134-C-T.
Identifiers: ClinVar variation 100150 (VCV000100150.14), dbSNP rs182332679, ClinGen allele CA228228.

ClinVar aggregate classification (germline): Benign. Review status: criteria provided, multiple submitters, no conflicts (2 of 4 stars). 4 submissions from 4 submitters: Benign (3). 1 of the submissions does not count toward it. Last evaluated 2026-02-01.

Conditions:
Dihydropyrimidinase deficiency (DPYSD). Also called: DPH DEFICIENCY; DPYS DEFICIENCY; dihydropyrimidinuria. Identifiers: Orphanet 38874, MedGen C0342803, MONDO:0009111, OMIM 222748.

Allele frequency attached by ClinVar (database versions not stated): ESP Exome Variant Server 0.02238; TOPMed 0.02813; 1000 Genomes Project 30x 0.03045; 1000 Genomes Project 0.03195; gnomAD 0.03516 and 0.03579; ExAC 0.06240.
gnomAD v4.1: 51,232 of 1,497,914 alleles (3.4%); highest among the groups gnomAD compares: South Asian, 6.4%; 1,169 homozygotes.

Submissions (4):

Labcorp Genetics (formerly Invitae), Labcorp
Classification: Benign. Last evaluated: 2026-02-01. Review status: criteria provided, single submitter. Criteria: Invitae Variant Classification Sherloc (09022015). Collection method: clinical testing. Allele origin: germline.

Illumina Laboratory Services, Illumina
Classification: Benign for Dihydropyrimidinase deficiency. Last evaluated: 2018-01-13. Review status: criteria provided, single submitter. Criteria: ICSL Variant Classification Criteria 13 December 2019. Collection method: clinical testing. Allele origin: germline.
Comment: This variant was observed in the ICSL laboratory as part of a predisposition screen in an ostensibly healthy population. It had not been previously curated by ICSL or reported in the Human Gene Mutation Database (HGMD: prior to June 1st, 2018), and was therefore a candidate for classification through an automated scoring system. Utilizing variant allele frequency, disease prevalence and penetrance estimates, and inheritance mode, an automated score was calculated to assess if this variant is too frequent to cause the disease. Based on the score and internal cut-off values, a variant classified as benign is not then subjected to further curation. The score for this variant resulted in a classification of benign for this disease.

Breakthrough Genomics
Classification: Benign. Review status: criteria provided, single submitter. Criteria: ACMG Guidelines, 2015. Collection method: not provided. Allele origin: germline. Inheritance: Autosomal recessive inheritance. Affected: yes.

Diasio Lab,  Mayo Clinic
No classification provided. Review status: no classification provided. Collection method: not provided. Allele origin: unknown. Not counted in ClinVar's aggregate classification.